The following is an entry in ClinVar:

NM_000465.4(BARD1):c.2027A>G (p.Tyr676Cys)

Gene: BARD1 (BRCA1 associated RING domain 1; minus strand). Cytogenetic location: 2q35.
Variant type: single nucleotide variant.
Coding change: c.2027A>G on transcript NM_000465.4 (MANE Select); coding-DNA position 2027, A replaced by G.
Protein change: p.Tyr676Cys; replaces tyrosine 676 with cysteine.
Molecular consequence: missense variant. On other transcripts: non-coding transcript variant (3).
Genome position (GRCh38, 1-based): chr2:214,728,983, T>C on the plus strand (A>G on the coding strand, the complement: BARD1 is on the minus strand). VCF-style: chr2-214728983-T-C. GRCh37 (hg19) VCF-style: chr2-215593707-T-C.
Other names: c.1970A>G, p.Tyr657Cys (NM_001282543.2); c.674A>G, p.Tyr225Cys (NM_001282545.2); c.617A>G, p.Tyr206Cys (NM_001282548.2); c.488A>G, p.Tyr163Cys (NM_001282549.2); short protein forms Y676C, Y225C, Y163C, Y657C, Y206C.
Identifiers: ClinVar variation 422493 (VCV000422493.12), dbSNP rs770917842, ClinGen allele CA16617429.
Genomic context (GRCh38, chr2:214,728,983, plus strand): 5'-GTGACGAGCTTAATAAGGTTGTCCTTTGGATGGTGTTTGAAGGTTCCCCACAAATAGAAG[T>C]AGCATCCATCAAACAGCTTTGGCAACTGAAATAATGAGAAAACATTTGTTAAAGGCAGAT-3'
Protein context (NP_000456.2, residues 666-686): QLLPKLFDGC[Tyr676Cys]FYLWGTFKHH

ClinVar aggregate classification (germline): Uncertain significance. Review status: criteria provided, multiple submitters, no conflicts (2 of 4 stars). 4 submissions from 4 submitters: Uncertain significance (4). Last evaluated 2024-09-12.

Conditions:
Hereditary cancer-predisposing syndrome. Also called: Hereditary neoplastic syndrome; Neoplastic Syndromes, Hereditary; Tumor predisposition; Hereditary Cancer Syndrome. Identifiers: Orphanet 140162, MedGen C0027672, MeSH D009386, MONDO:0015356.
Familial cancer of breast. Also called: Hereditary breast cancer; BREAST CANCER, FAMILIAL; hereditary breast carcinoma. Identifiers: Orphanet 227535, MedGen C0346153, MONDO:0016419, OMIM 114480. Disease mechanism: loss of function.

gnomAD v4.1: 4 of 1,614,080 alleles (0.00025%); highest among the groups gnomAD compares: Middle Eastern, 0.033%; no homozygotes.

Submissions (4):

Labcorp Genetics (formerly Invitae), Labcorp
Classification: Uncertain significance for Familial cancer of breast. Last evaluated: 2024-09-12. Review status: criteria provided, single submitter. Criteria: Invitae Variant Classification Sherloc (09022015). Collection method: clinical testing. Allele origin: germline.
Comment: This sequence change replaces tyrosine, which is neutral and polar, with cysteine, which is neutral and slightly polar, at codon 676 of the BARD1 protein (p.Tyr676Cys). This variant is present in population databases (no rsID available, gnomAD no frequency). This variant has not been reported in the literature in individuals affected with BARD1-related conditions. ClinVar contains an entry for this variant (Variation ID: 422493). An algorithm developed to predict the effect of missense changes on protein structure and function (PolyPhen-2) suggests that this variant is likely to be disruptive. In summary, the available evidence is currently insufficient to determine the role of this variant in disease. Therefore, it has been classified as a Variant of Uncertain Significance.

Color Diagnostics, LLC DBA Color Health
Classification: Uncertain significance for Hereditary cancer-predisposing syndrome. Last evaluated: 2024-03-04. Review status: criteria provided, single submitter. Criteria: ACMG Guidelines, 2015. Collection method: clinical testing. Allele origin: germline.
Comment: This missense variant replaces tyrosine with cysteine at codon 676 of the BARD1 protein. Computational prediction suggests that this variant may not impact protein structure and function. To our knowledge, functional studies have not been reported for this variant. This variant has been reported in an individual affected with pancreatic cancer (PMID: 34034685). This variant has been identified in 1/250956 chromosomes in the general population by the Genome Aggregation Database (gnomAD). The available evidence is insufficient to determine the role of this variant in disease conclusively. Therefore, this variant is classified as a Variant of Uncertain Significance.

Ambry Genetics
Classification: Uncertain significance for Hereditary cancer-predisposing syndrome. Last evaluated: 2023-10-03. Review status: criteria provided, single submitter. Criteria: Ambry Variant Classification Scheme 2023. Collection method: clinical testing. Allele origin: germline.
Comment: The p.Y676C variant (also known as c.2027A>G), located in coding exon 11 of the BARD1 gene, results from an A to G substitution at nucleotide position 2027. The tyrosine at codon 676 is replaced by cysteine, an amino acid with highly dissimilar properties. This amino acid position is well conserved in available vertebrate species. In addition, this alteration is predicted to be tolerated by in silico analysis. Since supporting evidence is limited at this time, the clinical significance of this alteration remains unclear.

GeneDx
Classification: Uncertain significance. Last evaluated: 2016-10-11. Review status: criteria provided, single submitter. Criteria: GeneDx Variant Classification (06012015). Collection method: clinical testing. Allele origin: germline. Affected: yes.
Comment: This variant is denoted BARD1 c.2027A>G at the cDNA level, p.Tyr676Cys (Y676C) at the protein level, and results in the change of a Tyrosine to a Cysteine (TAC>TGC). This variant has not, to our knowledge, been published in the literature as pathogenic or benign. BARD1 Tyr676Cys was not observed in approximately 6,500 individuals of European and African American ancestry in the NHLBI Exome Sequencing Project, suggesting it is not a common benign variant in these populations. Since Tyrosine and Cysteine differ in polarity, charge, size or other properties, this is considered a non-conservative amino acid substitution. BARD1 Tyr676Cys occurs at a position that is conserved in mammals and is located in the BRCT2 domain (UniProt). In silico analyses predict that this variant is probably damaging to protein structure and function. Based on currently available evidence, it is unclear whether BARD1 Tyr676Cys is a pathogenic or benign variant. We consider it to be a variant of uncertain significance.

Literature cited by the submitters: PubMed 34034685 (cited by Color Diagnostics, LLC DBA Color Health).